The following is an entry in ClinVar:

ClinVar aggregate classification (germline): Likely benign. Review status: criteria provided, multiple submitters, no conflicts (2 of 4 stars). 2 submissions from 2 submitters: Likely benign (2). Last evaluated 2025-04-14.

Conditions:
Intellectual developmental disorder, autosomal dominant 6, with or without seizures. Also called: GRIN2B-related developmental delay, intellectual disability and autism spectrum disorder; Intellectual disability, autosomal dominant 6. Identifiers: Orphanet 589547, MedGen C3151411, MONDO:0013509, OMIM 613970.
Developmental and epileptic encephalopathy, 27 (DEE27). Also called: Epileptic encephalopathy, early infantile, 27; GRIN2B-Related Neurodevelopmental Disorder. Identifiers: Orphanet 3451, MedGen C4015316, MONDO:0014505, OMIM 616139.

Allele frequency attached by ClinVar (database versions not stated): TOPMed below 0.00001; gnomAD exomes below 0.00001 and 0.00001; ExAC 0.00001; gnomAD 0.00002.
gnomAD v4.1: 6 of 1,613,988 alleles (0.00037%); highest among the groups gnomAD compares: Admixed American, 0.0083%; no homozygotes.

Submissions (2):

Labcorp Genetics (formerly Invitae), Labcorp
Classification: Likely benign for Developmental and epileptic encephalopathy, 27; Intellectual developmental disorder, autosomal dominant 6, with or without seizures. Last evaluated: 2025-04-14. Review status: criteria provided, single submitter. Criteria: Invitae Variant Classification Sherloc (09022015). Collection method: clinical testing. Allele origin: germline.

GeneDx
Classification: Likely benign. Last evaluated: 2016-07-22. Review status: criteria provided, single submitter. Criteria: GeneDx Variant Classification (06012015). Collection method: clinical testing. Allele origin: germline. Affected: yes.
Comment: This variant is considered likely benign or benign based on one or more of the following criteria: it is a conservative change, it occurs at a poorly conserved position in the protein, it is predicted to be benign by multiple in silico algorithms, and/or has population frequency not consistent with disease.

NM_000834.5(GRIN2B):c.1881C>T (p.Thr627=)

Gene: GRIN2B (glutamate ionotropic receptor NMDA type subunit 2B; minus strand). Cytogenetic location: 12p13.1.
Variant type: single nucleotide variant.
Coding change: c.1881C>T on transcript NM_000834.5 (MANE Select); coding-DNA position 1881, C replaced by T.
Protein change: p.Thr627=; no amino-acid change (threonine 627 retained).
Molecular consequence: synonymous variant.
Genome position (GRCh38, 1-based): chr12:13,608,732, G>A on the plus strand (C>T on the coding strand, the complement: GRIN2B is on the minus strand). VCF-style: chr12-13608732-G-A. GRCh37 (hg19) VCF-style: chr12-13761666-G-A.
Identifiers: ClinVar variation 388039 (VCV000388039.4), dbSNP rs768296067, ClinGen allele CA6461157.